The following continues an entry in ClinVar:

NM_022124.6(CDH23):c.5237G>A (p.Arg1746Gln)

Gene: CDH23. ClinVar aggregate classification (germline): Pathogenic. Pathogenic (19).

Submissions 12 to 20 of 20:

Victorian Clinical Genetics Services, Murdoch Childrens Research Institute
Classification: Pathogenic for Autosomal recessive nonsyndromic hearing loss 12. Last evaluated: 2022-06-24. Review status: criteria provided, single submitter. Criteria: ACMG Guidelines, 2015. Collection method: clinical testing. Allele origin: germline. Inheritance: Autosomal recessive inheritance. Affected: yes.
Comment: Based on the classification scheme VCGS_Germline_v1.3.4, this variant is classified as Pathogenic. Following criteria are met: 0102 - Loss of function is a known mechanism of disease in this gene and is associated with deafness 12 (MIM#601386) and Usher syndrome, type 1D/F (MIM#601067). (I) 0106 - This gene is associated with autosomal recessive disease. (I) 0209 - Splice variant (non-canonical) proven to affect splicing of the transcript with uncertain effect on protein structure. Variant is predicted to result in a missense amino acid change from arginine to glutamine. Exon-trapping assay demonstrated aberrant splicing, predicting an in-frame deletion of 17 amino acids p.(Val1730_Arg1746del) (PMID: 18273900). (SP) 0251 - This variant is heterozygous. (I) 0304 - Variant is present in gnomAD (v3) <0.01 for a recessive condition (22 heterozygotes, 0 homozygotes). (SP) 0309 - An alternative amino acid change at the same position has been observed in gnomAD (v2) (72 heterozygotes, 0 homozygotes). (I) 0604 - Variant is not located in an established domain, motif, hotspot or informative constraint region. (I) 0801 - This variant has strong previous evidence of pathogenicity in unrelated individuals. This variant has been reported in greater than ten patients with Usher syndrome or non-syndromic hearing loss (Clinvar, PMID: 11138009, 12075507, 20613545, 21940737, 25468891, 35186827). (SP) 1208 - Inheritance information for this variant is not currently available in this individual. (I) Legend: (SP) - Supporting pathogenic, (I) - Information, (SB) - Supporting benign

Women's Health and Genetics/Laboratory Corporation of America, LabCorp
Classification: Pathogenic for Usher syndrome. Last evaluated: 2022-03-03. Review status: criteria provided, single submitter. Criteria: LabCorp Variant Classification Summary - May 2015. Collection method: clinical testing. Allele origin: germline.
Comment: Variant summary: CDH23 c.5237G>A (p.Arg1746Gln) results in a conservative amino acid change in the encoded protein sequence. Four of five in-silico tools predict a benign effect of the variant on protein function. Several computational tools predict a significant impact on normal splicing: Four predict the variant creates a cryptic exonic alternate 3' splice acceptor site. At least one publication reports experimental evidence that this variant affects mRNA splicing resulting in the exclusion of 51-base pairs of exonic sequence consistent with the computational predictions (example, Becirovic_2008). The variant allele was found at a frequency of 6.8e-05 in 249208 control chromosomes. This frequency is not significantly higher than expected for a pathogenic variant in CDH23 causing Usher Syndrome (6.8e-05 vs 0.0032), allowing no conclusion about variant significance. c.5237G>A has been reported in the literature as homozygous and compound heterozygous genotypes in multiple individuals affected with hearing loss and/or Usher syndrome (example, Bolz_2001, Kannan-Sundhari_2020, Schultz_2011). These data indicate that the variant is very likely to be associated with disease. Ten clinical diagnostic laboratories have submitted clinical-significance assessments for this variant to ClinVar after 2014 without evidence for independent evaluation. All laboratories classified the variant as pathogenic. Based on the evidence outlined above, the variant was classified as pathogenic.

National Institute on Deafness and Communication Disorders, National Institutes of Health
Classification: Pathogenic for Childhood onset hearing loss. Last evaluated: 2021-07-08. Review status: criteria provided, single submitter. Criteria: ClinGen HL ACMG Specifications v1. Collection method: research. Allele origin: germline. Inheritance: Autosomal recessive inheritance. Affected: yes. Observed: 1 heterozygote. Segregation with disease not observed.
Comment: PS1, PS3_moderate, PM2, PM3_very strong, PP3 (non REVEL) / Modifications from PMID: 30311386 for classification: The genetic causes of hearing loss have not yet been well characterized in the Yoruba population, and the information regarding variant MAF in this population is still limited, so we did not exclude any variant based on their "high" MAF. PP3 criteria was applied even if the REVEL score was below 0.7, if at least two of the pathogenicity prediction algorithms used predicted that the variant was damaging or likely damaging.

was found associated in cis with NM_022124.6:c.8177C>T; was found associated with NM_022124.6:c.271C>T

Revvity Omics, Revvity
Classification: Pathogenic. Last evaluated: 2021-05-18. Review status: criteria provided, single submitter. Criteria: ACMG Guidelines, 2015. Collection method: clinical testing. Allele origin: germline.

Ambry Genetics
Classification: Pathogenic for Inborn genetic diseases. Last evaluated: 2021-01-15. Review status: criteria provided, single submitter. Criteria: Ambry Variant Classification Scheme 2023. Collection method: clinical testing. Allele origin: germline.
Comment: The c.5237G>A (p.R1746Q) alteration is located in exon 41 (coding exon 40) of the CDH23 gene. This alteration results from a G to A substitution at nucleotide position 5237, causing the arginine (R) at amino acid position 1746 to be replaced by a glutamine (Q). Based on data from the Genome Aggregation Database (gnomAD), the CDH23 c.5237G>A alteration was observed in 0.0071% (20/280,608) total alleles studied, with a frequency of 0.013% (17/128,412) in the European (Non-Finnish) subpopulation. The c.5237G>A (p.R1746Q) alteration has been previously reported in either the homozygous or compound heterozygous state in multiple unrelated individuals with an Usher syndrome or deafness phenotype (Bolz, 2001; Schultz, 2011; Zhao, 2015) The p.R1746 amino acid is conserved in available vertebrate species. Functional analysis demonstrated that the p.R1746Q alteration creates a new cryptic splice acceptor site (Becirovic, 2008) The in silico prediction for the p.R1746Q alteration is inconclusive._x000D_ _x000D_ In silico splice site analysis predicts that this alteration may weaken the native splice acceptor site and will result in the creation or strengthening of a novel splice acceptor site. Based on the available evidence, this alteration is classified as pathogenic.

Athena Diagnostics
Classification: Pathogenic. Last evaluated: 2020-09-03. Review status: criteria provided, single submitter. Criteria: Athena Diagnostics criteria. Collection method: clinical testing. Allele origin: unknown.
Comment: The frequency of this variant in the general population is consistent with pathogenicity. This variant has been reported to associate with Usher syndrome and nonsyndromic hearing loss (PMID: 11138009, 12075507, 21940737). Assessment of experimental evidence suggests this variant results in abnormal RNA splicing. Experiments show this variant creates a novel splice site, resulting in the in-frame deletion of 17 amino acids from the protein (PMID: 18273900). This variant segregates with disease in at least one family. In multiple individuals, this variant has been seen with a single recessive pathogenic variant in the same gene, suggesting this variant may also be pathogenic.

Illumina Laboratory Services, Illumina
Classification: Pathogenic for CDH23-Related Disorders. Last evaluated: 2017-04-27. Review status: criteria provided, single submitter. Criteria: ICSL Variant Classification Criteria 09 May 2019. Collection method: clinical testing. Allele origin: germline.
Comment: The CDH23 c.5237G>A (p.Arg1746Gln) missense variant has been identified in individuals with both Usher syndrome and nonsyndromic hearing loss who present with a range of phenotypes. The majority of the patients reported in the literature were diagnosed with Usher syndrome but some individuals with nonsyndromic hearing loss were also identified. Across a selection of the literature, the p.Arg1746Gln variant was reported in a homozygous state in six patients, in a compound heterozygous state in eight patients, in a heterozygous state in two patients in whom a second variant was not identified, and in a heterozygous state in one unaffected individual (Bolz et al. 2001; Astuto et al. 2002; Schultz et al. 2011; Zhao et al. 2015). Control data are not available for this variant, which is reported at a frequency of 0.00011 in the European (non-Finnish) population of the Exome Aggregation Consortium. Functional testing by Becirovic et al. (2008) indicated that the p.Arg1746Gln variant creates a novel splice acceptor site that results in an in-frame deletion of 51 base pairs and the exclusion of a calcium binding motif. Based on the collective evidence, the p.Arg1746Gln variant is classified as pathogenic for CDH23-related disorders. This variant was observed by ICSL as part of a predisposition screen in an ostensibly healthy population.

Laboratory for Molecular Medicine, Mass General Brigham Personalized Medicine
Classification: Pathogenic for Rare genetic deafness. Last evaluated: 2016-08-02. Review status: criteria provided, single submitter. Criteria: LMM Criteria. Collection method: clinical testing. Allele origin: germline. Inheritance: Autosomal recessive inheritance. Observed: 6 variant alleles.
Comment: The p.Arg1746Gln variant in CDH23 has been reported in >10 probands with Usher s yndrome and in 3 individuals with hearing loss (Bolz 2001, Astuto 2002, Schultz 2011, Bujakowska 2014, LMM data). Eight of these probands were compound heterozy gous for a second pathogenic variant, and two were homozygous. The variant has also segregated in 11 affected family members across 3 families (Bolz 2001, Schu ltz 2011, LMM data). This variant has been identified in 15/126682 European ch romosomes by the Genome Aggregation Database (gnomAd; dbSNP rs111033270); however, its frequency is low enough to be consisten t with a recessive carrier frequency. In addition, mRNA studies revealed that t his variant affects splicing, causing in-frame skipping of 51 base pairs and sub sequently leading to a loss of 17 amino acids of the protein (Becirovic 2008). I n summary, this variant meets criteria to be classified as pathogenic for autoso mal recessive Usher syndrome based on case observations, segregation studies, an d functional evidence. ACMG/AMP Criteria applied: PM3_Very Strong, PP1_Strong, PM2, PS3_Moderate.

OMIM
Classification: Pathogenic for USHER SYNDROME, TYPE ID. Last evaluated: 2001-01-01. Review status: no assertion criteria provided. Collection method: literature only. Allele origin: germline. Not counted in ClinVar's aggregate classification.

Literature cited by the submitters: PubMed 11138009 (cited by 8 submitters); PubMed 21940737 (cited by 8 submitters); PubMed 25472526 (cited by 4 submitters); PubMed 18273900 (cited by 7 submitters); PubMed 12075507 (cited by 4 submitters); PubMed 20613545 (cited by Victorian Clinical Genetics Services, Murdoch Childrens Research Institute); PubMed 25468891 (cited by Victorian Clinical Genetics Services, Murdoch Childrens Research Institute and Laboratory for Molecular Medicine, Mass General Brigham Personalized Medicine); PubMed 35186827 (cited by Victorian Clinical Genetics Services, Murdoch Childrens Research Institute); PubMed 32991204 (cited by Women's Health and Genetics/Laboratory Corporation of America, LabCorp); PubMed 26399936 (cited by Athena Diagnostics); PubMed 18484607 (cited by Athena Diagnostics).